The following is an entry in ClinVar:

ClinVar aggregate classification (germline): Likely benign (1 of 4 stars; one submission).

Allele frequency attached by ClinVar (database versions not stated): ExAC 0.00002; gnomAD exomes 0.00002; TOPMed 0.00002.
gnomAD v4.1: 26 of 1,613,736 alleles (0.0016%); highest among the groups gnomAD compares: Non-Finnish European, 0.0019%; no homozygotes.

Submission:

CeGaT Center for Human Genetics Tuebingen
Classification: Likely benign. Last evaluated: 2024-04-01. Review status: criteria provided, single submitter. Criteria: CeGaT Center For Human Genetics Tuebingen Variant Classification Criteria Version 2. Collection method: clinical testing. Allele origin: germline. Affected: yes. Observed: 1 variant allele.
Comment: IKZF2: BP4

NM_001387220.1(IKZF2):c.1416G>A (p.Lys472=)

Gene: IKZF2 (IKAROS family zinc finger 2; minus strand). Cytogenetic location: 2q34.
Variant type: single nucleotide variant.
Coding change: c.1416G>A on transcript NM_001387220.1 (MANE Select); coding-DNA position 1416, G replaced by A.
Protein change: p.Lys472=; no amino-acid change (lysine 472 retained).
Molecular consequence: synonymous variant.
Genome position (GRCh38, 1-based): chr2:213,007,525, C>T on the plus strand (G>A on the coding strand, the complement: IKZF2 is on the minus strand). VCF-style: chr2-213007525-C-T. GRCh37 (hg19) VCF-style: chr2-213872249-C-T.
Other names: c.1338G>A, p.Lys446= (NM_001079526.2, NM_001371275.1, NM_001371276.1); c.1416G>A, p.Lys472= (NM_001371274.1, NM_016260.3); c.1191G>A, p.Lys397= (NM_001371277.1).
Identifiers: ClinVar variation 3239092 (VCV003239092.19), dbSNP rs201795077.
Genomic context (GRCh38, chr2:213,007,525, plus strand): 5'-GCAACCCATGTGAATGGTGTACATGACATGGTCTAGGAAAAGGACTCGGCAGTGCTCACA[C>T]TTGAAGGCCCTAATCTGTTCTCCTTCTCCATTGAAGACCTTGTAGATGTCCTTCAGAGAG-3'
Protein context (NP_001374149.1, residues 462-482): NGEGEQIRAF[Lys472=]CEHCRVLFLD